The following is an entry in ClinVar:

ClinVar aggregate classification (germline): Benign (1 of 4 stars; one submission).

Allele frequency attached by ClinVar (database versions not stated): 1000 Genomes Project 0.05970; 1000 Genomes Project 30x 0.06340; gnomAD 0.04323 and 0.04459; TOPMed 0.04467.
gnomAD v4.1: 6,521 of 152,284 alleles (4.3%); highest among the groups gnomAD compares: African/African-American, 13%; 391 homozygotes.

Submission:

GeneDx
Classification: Benign. Last evaluated: 2018-06-14. Review status: criteria provided, single submitter. Criteria: GeneDx Variant Classification (06012015). Collection method: clinical testing. Allele origin: germline. Affected: yes.
Comment: This variant is considered likely benign or benign based on one or more of the following criteria: it is a conservative change, it occurs at a poorly conserved position in the protein, it is predicted to be benign by multiple in silico algorithms, and/or has population frequency not consistent with disease.

NM_004369.4(COL6A3):c.4286-313A>C

Gene: COL6A3 (collagen type VI alpha 3 chain; minus strand). Cytogenetic location: 2q37.3.
Variant type: single nucleotide variant.
Coding change: c.4286-313A>C on transcript NM_004369.4 (MANE Select); 313 bases into the intron before coding-DNA position 4286, A replaced by C.
Molecular consequence: intron variant.
Genome position (GRCh38, 1-based): chr2:237,369,490, T>G on the plus strand (A>C on the coding strand, the complement: COL6A3 is on the minus strand). VCF-style: chr2-237369490-T-G. GRCh37 (hg19) VCF-style: chr2-238278133-T-G.
Other names: c.2465-313A>C (NM_057166.5); c.3668-313A>C (NM_057167.4).
Identifiers: ClinVar variation 672728 (VCV000672728.1), dbSNP rs77444546, ClinGen allele CA67817108.
Genomic context (GRCh38, chr2:237,369,490, plus strand): 5'-GCATTGTGGTCTGGGTTACTACTGATTTCTAAAATGTAAGGAGCATTTAGAAATCAATCT[T>G]GGGCTACCGTAATCTACAGAATCATGAACTGTTGCTACCAGAAGAGACCAAGGCCACTGG-3'